The following is an entry in ClinVar:

NC_000003.12:g.169764629T>A

Gene: TERC (telomerase RNA component; minus strand). Cytogenetic location: 3q26.2.
Variant type: single nucleotide variant.
Genome position: GRCh38 VCF-style: chr3-169764629-T-A. GRCh37 (hg19) VCF-style: chr3-169482417-T-A.
Identifiers: ClinVar variation 2849250 (VCV002849250.3), dbSNP rs1479831336, ClinGen allele CA436714745.

ClinVar aggregate classification (germline): Uncertain significance (1 of 4 stars; one submission).

Conditions:
Dyskeratosis congenita, autosomal dominant 1 (DKCA1). Also called: Dyskeratosis congenita Scoggins type. Identifiers: Orphanet 1775, MedGen C4551974, MONDO:0007485, OMIM 127550. Inheritance: Variable.

Submission:

Labcorp Genetics (formerly Invitae), Labcorp
Classification: Uncertain significance for Dyskeratosis congenita, autosomal dominant 1. Last evaluated: 2023-06-11. Review status: criteria provided, single submitter. Criteria: Invitae Variant Classification Sherloc (09022015). Collection method: clinical testing. Allele origin: germline.
Comment: This variant is located within the BoxH/ACA scaRNA domain of the TERC RNA component, which is required for telomerase activity (PMID: 21844345). In summary, the available evidence is currently insufficient to determine the role of this variant in disease. Therefore, it has been classified as a Variant of Uncertain Significance. This variant has not been reported in the literature in individuals affected with TERC-related conditions. This variant is not present in population databases (gnomAD no frequency). This variant occurs in the TERC gene, which encodes an RNA molecule that does not result in a protein product.

Literature cited by the submitters: PubMed 21844345.